The following is an entry in ClinVar:

NM_000051.4(ATM):c.4152T>A (p.His1384Gln)

Gene: ATM (ATM serine/threonine kinase; plus strand). Cytogenetic location: 11q22.3.
Variant type: single nucleotide variant.
Coding change: c.4152T>A on transcript NM_000051.4 (MANE Select); coding-DNA position 4152, T replaced by A.
Protein change: p.His1384Gln; replaces histidine 1384 with glutamine.
Molecular consequence: missense variant.
Genome position (GRCh38, 1-based): chr11:108,289,019, T>A. VCF-style: chr11-108289019-T-A. GRCh37 (hg19) VCF-style: chr11-108159746-T-A.
Other names: c.4152T>A, p.His1384Gln (NM_001351834.2); short protein forms H1384Q.
Identifiers: ClinVar variation 3708058 (VCV003708058.2).

ClinVar aggregate classification (germline): Uncertain significance (1 of 4 stars; one submission).

Conditions:
Ataxia-telangiectasia syndrome (AT). Also called: Ataxia-telangiectasia, complementation group E; ATAXIA-TELANGIECTASIA, COMPLEMENTATION GROUP A; ATAXIA-TELANGIECTASIA, FRESNO VARIANT; Ataxia-telangiectasia, complementation group D; AT, COMPLEMENTATION GROUP C; Ataxia-telangiectasia. Identifiers: Orphanet 100, MedGen C0004135, MONDO:0008840, OMIM 208900.

Submission:

Labcorp Genetics (formerly Invitae), Labcorp
Classification: Uncertain significance for Ataxia-telangiectasia syndrome. Last evaluated: 2024-02-14. Review status: criteria provided, single submitter. Criteria: Invitae Variant Classification Sherloc (09022015). Collection method: clinical testing. Allele origin: germline.
Comment: This sequence change replaces histidine, which is basic and polar, with glutamine, which is neutral and polar, at codon 1384 of the ATM protein (p.His1384Gln). This variant is not present in population databases (gnomAD no frequency). This variant has not been reported in the literature in individuals affected with ATM-related conditions. An algorithm developed to predict the effect of missense changes on protein structure and function (PolyPhen-2) suggests that this variant is likely to be tolerated. In summary, the available evidence is currently insufficient to determine the role of this variant in disease. Therefore, it has been classified as a Variant of Uncertain Significance.